The following is an entry in ClinVar:

NM_033056.4(PCDH15):c.5849_5852del (p.Ser1950fs)

Gene: PCDH15 (protocadherin related 15; minus strand). Cytogenetic location: 10q21.1.
Variant type: Deletion.
Coding change: c.5849_5852del on transcript NM_033056.4 (MANE Plus Clinical); coding-DNA positions 5849 to 5852, 4 bases deleted (GTCA; older notation c.5849_5852delGTCA).
Protein change: p.Ser1950fs; shifts the reading frame from serine 1950.
Molecular consequence: frameshift variant. On other transcripts: intron variant (8).
Genome position (GRCh38, 1-based): chr10:53,821,874-53,821,877, TGAC deleted on the plus strand (GTCA on the coding strand, the reverse complement: PCDH15 is on the minus strand); deleting any 4 consecutive bases within chr10:53,821,874-53,821,879 gives the same sequence; the c. name uses the placement nearest the transcript's 3' end. VCF-style (leftmost placement, unchanged base first): chr10-53821873-TTGAC-T. GRCh37 (hg19) VCF-style: chr10-55581633-TTGAC-T.
Other names: c.5870_5873del, p.Ser1957fs (NM_001142763.2); c.5855_5858del, p.Ser1952fs (NM_001142764.2); c.5642_5645del, p.Ser1881fs (NM_001142765.2); c.5840_5843del, p.Ser1947fs (NM_001142766.2); c.5729_5732del, p.Ser1910fs (NM_001142767.2); c.5789_5792del, p.Ser1930fs (NM_001142768.2); c.5780_5783del, p.Ser1927fs (NM_001142773.2); c.5783_5786del, p.Ser1928fs (NM_001354404.2); and 7 more; short protein forms S1928fs, S1930fs, S1881fs, S1927fs, S1950fs, S1910fs, S1947fs, S1952fs.
Identifiers: ClinVar variation 855174 (VCV000855174.7), dbSNP rs757543551, ClinGen allele CA916083128.

ClinVar aggregate classification (germline): Uncertain significance. Review status: criteria provided, single submitter (1 of 4 stars). 2 submissions from 2 submitters: Uncertain significance (1). 1 of the submissions does not count toward it. Last evaluated 2022-03-10.

Conditions:
Usher syndrome type 1F (USH1F). Also called: USHER SYNDROME, TYPE IF. Identifiers: Orphanet 231169, Orphanet 886, MedGen C1865885, MONDO:0011186, OMIM 602083.

Submissions (2):

Labcorp Genetics (formerly Invitae), Labcorp
Classification: Uncertain significance. Last evaluated: 2022-03-10. Review status: criteria provided, single submitter. Criteria: Invitae Variant Classification Sherloc (09022015). Collection method: clinical testing. Allele origin: germline.
Comment: This sequence change results in a frameshift in the PCDH15 gene (p.Ser1950Asnfs*19). While this is not anticipated to result in nonsense mediated decay, it is expected to disrupt the last 6 amino acid(s) of the PCDH15 protein and extend the protein by 12 additional amino acid residues. This variant is not present in population databases (gnomAD no frequency). This variant has not been reported in the literature in individuals affected with PCDH15-related conditions. ClinVar contains an entry for this variant (Variation ID: 855174). Experimental studies and prediction algorithms are not available or were not evaluated, and the functional significance of this variant is currently unknown. In summary, the available evidence is currently insufficient to determine the role of this variant in disease. Therefore, it has been classified as a Variant of Uncertain Significance.

Natera, Inc.
Classification: Uncertain significance for Usher syndrome type 1F. Last evaluated: 2020-02-26. Review status: no assertion criteria provided. Collection method: clinical testing. Allele origin: germline. Not counted in ClinVar's aggregate classification.